The following is an entry in ClinVar:

ClinVar aggregate classification (germline): Likely benign. Review status: criteria provided, multiple submitters, no conflicts (2 of 4 stars). 3 submissions from 3 submitters: Likely benign (3). Last evaluated 2026-01-28.

Conditions:
Familial adenomatous polyposis 1 (FAP1). Also called: POLYPOSIS, ADENOMATOUS INTESTINAL; FAMILIAL ADENOMATOUS POLYPOSIS 1, ATTENUATED. Identifiers: MedGen C2713442, MONDO:0021056, OMIM 175100. Disease mechanism: loss of function.
Hereditary cancer-predisposing syndrome. Also called: Hereditary Cancer Syndrome; Neoplastic Syndromes, Hereditary; Tumor predisposition; Hereditary neoplastic syndrome. Identifiers: Orphanet 140162, MedGen C0027672, MeSH D009386, MONDO:0015356.

Allele frequency attached by ClinVar (database versions not stated): gnomAD exomes 0.00002 and 0.00004; gnomAD 0.00003 and 0.00004; TOPMed 0.00003; ExAC 0.00007.
gnomAD v4.1: 39 of 1,478,776 alleles (0.0026%); highest among the groups gnomAD compares: Admixed American, 0.005%; no homozygotes.

Submissions (3):

Labcorp Genetics (formerly Invitae), Labcorp
Classification: Likely benign for Familial adenomatous polyposis 1. Last evaluated: 2026-01-28. Review status: criteria provided, single submitter. Criteria: Invitae Variant Classification Sherloc (09022015). Collection method: clinical testing. Allele origin: germline.

Myriad Genetics, Inc.
Classification: Likely benign for Familial adenomatous polyposis 1. Last evaluated: 2024-02-22. Review status: criteria provided, single submitter. Criteria: Myriad Autosomal Dominant, Autosomal Recessive and X-Linked Classification Criteria (2023). Collection method: clinical testing. Allele origin: unknown.
Comment: This variant is considered likely benign. This variant is intronic and is not expected to impact mRNA splicing.

Color Diagnostics, LLC DBA Color Health
Classification: Likely benign for Hereditary cancer-predisposing syndrome. Last evaluated: 2016-11-14. Review status: criteria provided, single submitter. Criteria: ACMG Guidelines, 2015. Collection method: clinical testing. Allele origin: germline.

NM_000038.6(APC):c.136-19A>G

Gene: APC (APC regulator of Wnt signaling pathway; plus strand). Cytogenetic location: 5q22.2.
Variant type: single nucleotide variant.
Coding change: c.136-19A>G on transcript NM_000038.6 (MANE Select); 19 bases into the intron before coding-DNA position 136, A replaced by G.
Molecular consequence: intron variant.
Genome position (GRCh38, 1-based): chr5:112,766,307, A>G. VCF-style: chr5-112766307-A-G. GRCh37 (hg19) VCF-style: chr5-112102004-A-G.
Other names: c.136-19A>G (NM_001354895.2, NM_001127510.3, NM_001354896.2 and 2 more transcripts); c.166-19A>G (NM_001354897.2, NM_001354902.2, NM_001127511.3); c.61-19A>G (NM_001354898.2, NM_001354904.2); c.-900-19A>G (NM_001354906.2); c.-42-19A>G (NM_001354900.2, NM_001354901.2, NM_001354905.2).
Identifiers: ClinVar variation 490197 (VCV000490197.12), dbSNP rs778690797, ClinGen allele CA027282.